The following is an entry in ClinVar:

ClinVar aggregate classification (germline): Uncertain significance (1 of 4 stars; one submission).

gnomAD v4.1: 2 of 1,613,804 alleles (0.00012%); highest among the groups gnomAD compares: Admixed American, 0.0017%; no homozygotes.

Submission:

GeneDx
Classification: Uncertain significance. Last evaluated: 2026-03-21. Review status: criteria provided, single submitter. Criteria: GeneDx Variant Classification Process June 2021. Collection method: clinical testing. Allele origin: germline.
Comment: Not observed at significant frequency in large population cohorts (gnomAD); In silico analysis suggests that this missense variant does not alter protein structure/function; Has not been previously published as pathogenic or benign to our knowledge

NM_181552.4(CUX1):c.2596G>A (p.Glu866Lys)

Gene: CUX1 (cut like homeobox 1; plus strand). Cytogenetic location: 7q22.1.
Variant type: single nucleotide variant.
Coding change: c.2596G>A on transcript NM_181552.4 (MANE Select); coding-DNA position 2596, G replaced by A.
Protein change: p.Glu866Lys; replaces glutamic acid 866 with lysine.
Molecular consequence: missense variant. On other transcripts: intron variant (5).
Genome position (GRCh38, 1-based): chr7:102,201,893, G>A. VCF-style: chr7-102201893-G-A. GRCh37 (hg19) VCF-style: chr7-101845173-G-A.
Other names: c.2629G>A, p.Glu877Lys (NM_001202543.2); c.1255+6290G>A (NM_001913.5); c.1249+6290G>A (NM_181500.4); c.1117+6290G>A (NM_001202545.3); c.1207+6290G>A (NM_001202544.3); c.1138+6290G>A (NM_001202546.3); short protein forms E877K, E866K.
Identifiers: ClinVar variation 5009561 (VCV005009561.1).
Genomic context (GRCh38, chr7:102,201,893, plus strand): 5'-ACGGGCGGCGGGAAAGAGAAGGGCAGCGGTGGCAGCGGAGGTGGCAGCCAGCCTCGGGCC[G>A]AGCGCAGTCAGCTCCAGGGACCCTCGTCGTCAGAGTACTGGAAGGAGTGGCCCAGCGCTG-3'
Protein context (NP_853530.2, residues 856-876): GSGGGSQPRA[Glu866Lys]RSQLQGPSSS